The following is an entry in ClinVar:

NM_006946.4(SPTBN2):c.3012G>A (p.Thr1004=)

Gene: SPTBN2 (spectrin beta, non-erythrocytic 2; minus strand). Cytogenetic location: 11q13.2.
Variant type: single nucleotide variant.
Coding change: c.3012G>A on transcript NM_006946.4 (MANE Select); coding-DNA position 3012, G replaced by A.
Protein change: p.Thr1004=; no amino-acid change (threonine 1004 retained).
Molecular consequence: synonymous variant.
Genome position (GRCh38, 1-based): chr11:66,701,087, C>T on the plus strand (G>A on the coding strand, the complement: SPTBN2 is on the minus strand). VCF-style: chr11-66701087-C-T. GRCh37 (hg19) VCF-style: chr11-66468558-C-T.
Identifiers: ClinVar variation 1558675 (VCV001558675.11), dbSNP rs184505447, ClinGen allele CA6128958.

ClinVar aggregate classification (germline): Likely benign. Review status: criteria provided, multiple submitters, no conflicts (2 of 4 stars). 3 submissions from 3 submitters: Likely benign (3). Last evaluated 2026-06-01.

Allele frequency attached by ClinVar (database versions not stated): gnomAD 0.00001; gnomAD exomes 0.00003 and 0.00004; ExAC 0.00004; TOPMed 0.00009; 1000 Genomes Project 30x 0.00016; 1000 Genomes Project 0.00020.

Submissions (3):

CeGaT Center for Human Genetics Tuebingen
Classification: Likely benign. Last evaluated: 2026-06-01. Review status: criteria provided, single submitter. Criteria: CeGaT Center For Human Genetics Tuebingen Variant Classification Criteria Version 2. Collection method: clinical testing. Allele origin: germline. Affected: yes. Observed: 1 variant allele.
Comment: SPTBN2: BP4, BP7

Labcorp Genetics (formerly Invitae), Labcorp
Classification: Likely benign. Last evaluated: 2024-10-06. Review status: criteria provided, single submitter. Criteria: Invitae Variant Classification Sherloc (09022015). Collection method: clinical testing. Allele origin: germline.

Breakthrough Genomics
Classification: Likely benign. Review status: criteria provided, single submitter. Criteria: ACMG Guidelines, 2015. Collection method: not provided. Allele origin: germline. Inheritance: Autosomal recessive inheritance. Affected: yes.